The following is an entry in ClinVar:

ClinVar aggregate classification (germline): Uncertain significance (1 of 4 stars; one submission).

Submission:

Labcorp Genetics (formerly Invitae), Labcorp
Classification: Uncertain significance. Last evaluated: 2023-12-19. Review status: criteria provided, single submitter. Criteria: Invitae Variant Classification Sherloc (09022015). Collection method: clinical testing. Allele origin: germline.
Comment: This sequence change replaces proline, which is neutral and non-polar, with glutamine, which is neutral and polar, at codon 1296 of the DSCAML1 protein (p.Pro1296Gln). This variant is not present in population databases (gnomAD no frequency). This variant has not been reported in the literature in individuals affected with DSCAML1-related conditions. An algorithm developed to predict the effect of missense changes on protein structure and function (PolyPhen-2) suggests that this variant is likely to be tolerated. In summary, the available evidence is currently insufficient to determine the role of this variant in disease. Therefore, it has been classified as a Variant of Uncertain Significance.

NM_020693.4(DSCAML1):c.3707C>A (p.Pro1236Gln)

Gene: DSCAML1 (DS cell adhesion molecule like 1; minus strand). Cytogenetic location: 11q23.3.
Variant type: single nucleotide variant.
Coding change: c.3707C>A on transcript NM_020693.4 (MANE Select); coding-DNA position 3707, C replaced by A.
Protein change: p.Pro1236Gln; replaces proline 1236 with glutamine.
Molecular consequence: missense variant.
Genome position (GRCh38, 1-based): chr11:117,450,550, G>T on the plus strand (C>A on the coding strand, the complement: DSCAML1 is on the minus strand). VCF-style: chr11-117450550-G-T. GRCh37 (hg19) VCF-style: chr11-117321266-G-T.
Other names: short protein forms P1236Q.
Identifiers: ClinVar variation 2759433 (VCV002759433.3), dbSNP rs369803995, ClinGen allele CA382728810.